The following is an entry in ClinVar:

ClinVar aggregate classification (germline): Uncertain significance (1 of 4 stars; one submission).

Conditions:
EGFR-related lung cancer (EGFR). Identifiers: MedGen CN130014.

Allele frequency attached by ClinVar (database versions not stated): gnomAD exomes below 0.00001; TOPMed below 0.00001; gnomAD 0.00001.
gnomAD v4.1: 4 of 1,614,102 alleles (0.00025%); highest among the groups gnomAD compares: Admixed American, 0.0017%; no homozygotes.

Submission:

Labcorp Genetics (formerly Invitae), Labcorp
Classification: Uncertain significance for EGFR-related lung cancer. Last evaluated: 2024-11-16. Review status: criteria provided, single submitter. Criteria: Invitae Variant Classification Sherloc (09022015). Collection method: clinical testing. Allele origin: germline.
Comment: This sequence change replaces glutamic acid, which is acidic and polar, with glutamine, which is neutral and polar, at codon 424 of the EGFR protein (p.Glu424Gln). This variant is not present in population databases (gnomAD no frequency). This variant has not been reported in the literature in individuals affected with EGFR-related conditions. ClinVar contains an entry for this variant (Variation ID: 1352477). Invitae Evidence Modeling of protein sequence and biophysical properties (such as structural, functional, and spatial information, amino acid conservation, physicochemical variation, residue mobility, and thermodynamic stability) indicates that this missense variant is not expected to disrupt EGFR protein function with a negative predictive value of 80%. In summary, the available evidence is currently insufficient to determine the role of this variant in disease. Therefore, it has been classified as a Variant of Uncertain Significance.

NM_005228.5(EGFR):c.1270G>C (p.Glu424Gln)

Gene: EGFR (epidermal growth factor receptor; plus strand). Cytogenetic location: 7p11.2.
Variant type: single nucleotide variant.
Coding change: c.1270G>C on transcript NM_005228.5 (MANE Select); coding-DNA position 1270, G replaced by C.
Protein change: p.Glu424Gln; replaces glutamic acid 424 with glutamine.
Molecular consequence: missense variant.
Genome position (GRCh38, 1-based): chr7:55,157,725, G>C. VCF-style: chr7-55157725-G-C. GRCh37 (hg19) VCF-style: chr7-55225418-G-C.
Other names: c.1135G>C, p.Glu379Gln (NM_001346897.2, NM_001346899.2); c.1270G>C, p.Glu424Gln (NM_001346898.2, NM_201282.2, NM_201284.2); c.1111G>C, p.Glu371Gln (NM_001346900.2); c.469G>C, p.Glu157Gln (NM_001346941.2); short protein forms E379Q, E371Q, E424Q, E157Q.
Identifiers: ClinVar variation 1352477 (VCV001352477.6), dbSNP rs1785500503, ClinGen allele CA367579229.